The following is an entry in ClinVar:

ClinVar aggregate classification (germline): Uncertain significance. Review status: criteria provided, multiple submitters, no conflicts (2 of 4 stars). 5 submissions from 5 submitters: Uncertain significance (5). Last evaluated 2024-10-30.

Conditions:
Hereditary cancer-predisposing syndrome. Also called: Tumor predisposition; Hereditary Cancer Syndrome; Neoplastic Syndromes, Hereditary; Hereditary neoplastic syndrome. Identifiers: Orphanet 140162, MedGen C0027672, MeSH D009386, MONDO:0015356.
Tuberous sclerosis syndrome (TSC). Also called: Tuberous sclerosis; Tuberous Sclerosis Complex. Identifiers: Orphanet 805, MedGen C0041341, MONDO:0001734.
Tuberous sclerosis 2 (TSC2). Identifiers: Orphanet 805, MedGen C1860707, MONDO:0013199, OMIM 613254.

Submissions (5):

Labcorp Genetics (formerly Invitae), Labcorp
Classification: Uncertain significance for Tuberous sclerosis 2. Last evaluated: 2024-10-30. Review status: criteria provided, single submitter. Criteria: Invitae Variant Classification Sherloc (09022015). Collection method: clinical testing. Allele origin: germline.
Comment: This sequence change replaces proline, which is neutral and non-polar, with leucine, which is neutral and non-polar, at codon 26 of the TSC2 protein (p.Pro26Leu). This variant is not present in population databases (gnomAD no frequency). This variant has not been reported in the literature in individuals affected with TSC2-related conditions. ClinVar contains an entry for this variant (Variation ID: 451829). Invitae Evidence Modeling of protein sequence and biophysical properties (such as structural, functional, and spatial information, amino acid conservation, physicochemical variation, residue mobility, and thermodynamic stability) indicates that this missense variant is not expected to disrupt TSC2 protein function with a negative predictive value of 95%. In summary, the available evidence is currently insufficient to determine the role of this variant in disease. Therefore, it has been classified as a Variant of Uncertain Significance.

Ambry Genetics
Classification: Uncertain significance for Hereditary cancer-predisposing syndrome. Last evaluated: 2024-05-02. Review status: criteria provided, single submitter. Criteria: Ambry Variant Classification Scheme 2023. Collection method: clinical testing. Allele origin: germline.
Comment: The p.P26L variant (also known as c.77C>T), located in coding exon 1 of the TSC2 gene, results from a C to T substitution at nucleotide position 77. The proline at codon 26 is replaced by leucine, an amino acid with similar properties. This amino acid position is not well conserved in available vertebrate species. In addition, this alteration is predicted to be tolerated by in silico analysis. Based on the available evidence, the clinical significance of this variant remains unclear.

All of Us Research Program, National Institutes of Health
Classification: Uncertain significance for Tuberous sclerosis syndrome. Last evaluated: 2023-09-17. Review status: criteria provided, single submitter. Criteria: ACMG Guidelines, 2015. Collection method: clinical testing. Allele origin: germline. Inheritance: Autosomal dominant inheritance. Observed: 1 variant allele, 1 heterozygote.
Comment: This missense variant replaces proline with leucine at codon 26 of the TSC2 protein. Computational prediction suggests that this variant may not impact protein structure and function (internally defined REVEL score threshold <= 0.5, PMID: 27666373). To our knowledge, functional studies have not been reported for this variant. This variant has not been reported in individuals affected with TSC2-related disorders in the literature. This variant has not been identified in the general population by the Genome Aggregation Database (gnomAD). The available evidence is insufficient to determine the role of this variant in disease conclusively. Therefore, this variant is classified as a Variant of Uncertain Significance.

This study involves interpretation of variants in research participants for the purpose of population health screening. Participant phenotype was not available at the time of variant classification. Additional details can be found in publication PMID: 35346344, PMCID: PMC8962531

Genome-Nilou Lab
Classification: Uncertain significance for Tuberous sclerosis 2. Last evaluated: 2021-11-07. Review status: criteria provided, single submitter. Criteria: ACMG Guidelines, 2015. Collection method: clinical testing. Allele origin: germline. Affected: no.

GeneDx
Classification: Uncertain significance. Last evaluated: 2017-09-08. Review status: criteria provided, single submitter. Criteria: GeneDx Variant Classification (06012015). Collection method: clinical testing. Allele origin: germline. Affected: yes.
Comment: The P26L variant has not been published as a pathogenic variant, nor has it been reported as a benign variant to our knowledge. The P26L variant is not observed in large population cohorts (Lek et al., 2016; 1000 Genomes Consortium et al., 2015; Exome Variant Server). This variant is a semi-conservative amino acid substitution, which may impact secondary protein structure as these residues differ in some properties. This substitution occurs at a position that is conserved in mammals, and in silico analysis predicts this variant is probably damaging to the protein structure/function. However, missense variants in nearby residues have not been reported in the Human Gene Mutation Database in association with TSC (Stenson et al., 2014).

NM_000548.5(TSC2):c.77C>T (p.Pro26Leu)

Gene: TSC2 (TSC complex subunit 2; plus strand). Cytogenetic location: 16p13.3.
Variant type: single nucleotide variant.
Coding change: c.77C>T on transcript NM_000548.5 (MANE Select); coding-DNA position 77, C replaced by T.
Protein change: p.Pro26Leu; replaces proline 26 with leucine.
Molecular consequence: missense variant. On other transcripts: 5 prime UTR variant (1), intron variant (1).
Genome position (GRCh38, 1-based): chr16:2,048,692, C>T. VCF-style: chr16-2048692-C-T. GRCh37 (hg19) VCF-style: chr16-2098693-C-T.
Other names: c.77C>T, p.Pro26Leu (NM_001077183.3, NM_001114382.3, NM_001318827.2 and 4 more transcripts); c.-150C>T (NM_001318831.2); c.110C>T, p.Pro37Leu (NM_001318832.2); c.-10+627C>T (NM_001318829.2); short protein forms P26L, P37L.
Identifiers: ClinVar variation 451829 (VCV000451829.13), dbSNP rs1555494636, ClinGen allele CA394301263.